The following is an entry in ClinVar:

NM_017777.4(MKS1):c.1415G>T (p.Arg472Leu)

Gene: MKS1 (MKS transition zone complex subunit 1; minus strand). Cytogenetic location: 17q22.
Variant type: single nucleotide variant.
Coding change: c.1415G>T on transcript NM_017777.4 (MANE Select); coding-DNA position 1415, G replaced by T.
Protein change: p.Arg472Leu; replaces arginine 472 with leucine.
Molecular consequence: missense variant. On other transcripts: intron variant (2).
Genome position (GRCh38, 1-based): chr17:58,206,540, C>A on the plus strand (G>T on the coding strand, the complement: MKS1 is on the minus strand). VCF-style: chr17-58206540-C-A. GRCh37 (hg19) VCF-style: chr17-56283901-C-A.
Other names: c.806G>T, p.Arg269Leu (NM_001321268.2); c.1274-160G>T (NM_001330397.2); c.1408-160G>T (NM_001321269.2); short protein forms R269L, R472L.
Identifiers: ClinVar variation 3350440 (VCV003350440.1).

ClinVar aggregate classification (germline): Uncertain significance (0 of 4 stars; one submission).

Conditions:
MKS1-related disorder. Also called: MKS1-related condition; MKS1-related disorders. Identifiers: MedGen CN239382.

gnomAD v4.1: 2 of 1,612,680 alleles (0.00012%); highest among the groups gnomAD compares: South Asian, 0.0011%; no homozygotes.

Submission:

PreventionGenetics, part of Exact Sciences
Classification: Uncertain significance for MKS1-related condition. Last evaluated: 2024-07-17. Review status: no assertion criteria provided. Collection method: clinical testing. Allele origin: germline.
Comment: The MKS1 c.1415G>T variant is predicted to result in the amino acid substitution p.Arg472Leu. To our knowledge, this variant has not been reported in the literature. This variant is reported in 0.0033% of alleles in individuals of South Asian descent in gnomAD. At this time, the clinical significance of this variant is uncertain due to the absence of conclusive functional and genetic evidence.